The following is an entry in ClinVar:

NM_000108.5(DLD):c.737del (p.Gly246fs)

Gene: DLD (dihydrolipoamide dehydrogenase; plus strand). Cytogenetic location: 7q31.1.
Variant type: Deletion.
Coding change: c.737del on transcript NM_000108.5 (MANE Select); coding-DNA position 737, one base deleted (G; older notation c.737delG).
Protein change: p.Gly246fs; shifts the reading frame from glycine 246.
Molecular consequence: frameshift variant.
Genome position (GRCh38, 1-based): chr7:107,915,558, G deleted; the last of 2 consecutive G bases (chr7:107,915,557-107,915,558); deleting either gives the same sequence. VCF-style (leftmost placement, unchanged base first): chr7-107915556-AG-A. GRCh37 (hg19) VCF-style: chr7-107556001-AG-A.
Other names: c.440del, p.Gly147fs (NM_001289750.1); c.668del, p.Gly223fs (NM_001289751.1); c.593del, p.Gly198fs (NM_001289752.1); c.737del (NM_000108.4); short protein forms G147fs, G198fs, G223fs, G246fs.
Identifiers: ClinVar variation 2674858 (VCV002674858.2), dbSNP rs2535598520, ClinGen allele CA2695199604.

ClinVar aggregate classification (germline): Likely pathogenic. Review status: criteria provided, multiple submitters, no conflicts (2 of 4 stars). 2 submissions from 2 submitters: Likely pathogenic (2). Last evaluated 2026-01-22.

Conditions:
Pyruvate dehydrogenase E3 deficiency (DLDD). Also called: Dihydrolipoamide Dehydrogenase (E3) Deficiency; Dihydrolipoamide Dehydrogenase E3 Deficiency; Lipoamide dehydrogenase deficiency, lactic acidosis due to; DLD DEFICIENCY; E3 DEFICIENCY; Lipoamide dehydrogenase deficiency. Identifiers: Orphanet 2394, Orphanet 765, MedGen C5574660, MONDO:0009529, OMIM 246900.

Submissions (2):

Natera, Inc.
Classification: Likely pathogenic for Maple syrup urine disease type 3. Last evaluated: 2026-01-22. Review status: criteria provided, single submitter. Criteria: Natera Variant Classification Schema (03/2026). Collection method: clinical testing. Allele origin: germline.
Comment: The c.737del variant in DLD is a frameshift variant predicted to shift the reading frame beginning at codon 246 and leads to a stop codon 3 codons downstream. This variant is expected to result in nonsense mediated decay, truncation, or a dysfunctional protein product. This variant is rare in the general population with a frequency below the threshold expected for the associated phenotype(s). Given the available evidence, this variant is classified as Likely Pathogenic.

Baylor Genetics
Classification: Likely pathogenic for Pyruvate dehydrogenase E3 deficiency. Last evaluated: 2023-02-15. Review status: criteria provided, single submitter. Criteria: ACMG Guidelines, 2015. Collection method: clinical testing. Allele origin: unknown.